The following is an entry in ClinVar:

ClinVar aggregate classification (germline): Uncertain significance (1 of 4 stars; one submission).

Conditions:
Inborn genetic diseases. Identifiers: MedGen C0950123, MeSH D030342.

Submission:

Ambry Genetics
Classification: Uncertain significance for Inborn genetic diseases. Last evaluated: 2025-09-12. Review status: criteria provided, single submitter. Criteria: Ambry Variant Classification Scheme 2023. Collection method: clinical testing. Allele origin: germline.
Comment: The p.T104K variant (also known as c.311C>A), located in coding exon 3 of the RUNX1 gene, results from a C to A substitution at nucleotide position 311. The threonine at codon 104 is replaced by lysine, an amino acid with similar properties. This amino acid position is conserved. In addition, this alteration is predicted to be deleterious by in silico analysis. Based on the available evidence, the clinical significance of this variant remains unclear.

NM_001754.5(RUNX1):c.311C>A (p.Thr104Lys)

Gene: RUNX1 (RUNX family transcription factor 1; minus strand). Cytogenetic location: 21q22.12.
Variant type: single nucleotide variant.
Coding change: c.311C>A on transcript NM_001754.5 (MANE Select); coding-DNA position 311, C replaced by A.
Protein change: p.Thr104Lys; replaces threonine 104 with lysine.
Molecular consequence: missense variant.
Genome position (GRCh38, 1-based): chr21:34,886,883, G>T on the plus strand (C>A on the coding strand, the complement: RUNX1 is on the minus strand). VCF-style: chr21-34886883-G-T. GRCh37 (hg19) VCF-style: chr21-36259180-G-T.
Other names: c.230C>A, p.Thr77Lys (NM_001001890.3, NM_001122607.2); short protein forms T104K, T77K.
Identifiers: ClinVar variation 4158235 (VCV004158235.1).
Genomic context (GRCh38, chr21:34,886,883, plus strand): 5'-CACCCTCTCCGGGCCAGTACCTTGAAAGCGATGGGCAGGGTCTTGTTGCAGCGCCAGTGC[G>T]TAGGCAGCACGGAGCAGAGGAAGTTGGGGCTGTCGGTGCGCACCAGCTCGCCCGGGTGGT-3'
Protein context (NP_001745.2, residues 94-114): SPNFLCSVLP[Thr104Lys]HWRCNKTLPI